The following is an entry in ClinVar:

ClinVar aggregate classification (germline): Likely pathogenic (1 of 4 stars; one submission).

Conditions:
L-2-hydroxyglutaric aciduria (L2HGA). Identifiers: Orphanet 79314, MedGen C1855995, MONDO:0009370, OMIM 236792, HP:0040144.

Submission:

Women's Health and Genetics/Laboratory Corporation of America, LabCorp
Classification: Likely pathogenic for L-2-hydroxyglutaric aciduria. Last evaluated: 2023-06-08. Review status: criteria provided, single submitter. Criteria: LabCorp Variant Classification Summary - May 2015. Collection method: clinical testing. Allele origin: germline.
Comment: Variant summary: L2HGDH c.140+2_140+8delTGAGTGG is located in a canonical splice-site and is predicted to affect mRNA splicing resulting in a significantly altered protein due to either exon skipping, shortening, or inclusion of intronic material. Several computational tools predict a significant impact on normal splicing: four predict the variant abolishes a 5' splicing donor site. However, these predictions have yet to be confirmed by functional studies. The variant was absent in 157276 control chromosomes (gnomAD). To our knowledge, no occurrence of c.140+2_140+8delTGAGTGG in individuals affected with L-2 Aciduria and no experimental evidence demonstrating its impact on protein function have been reported. No clinical diagnostic laboratories have submitted clinical-significance assessments for this variant to ClinVar after 2014. Based on the evidence outlined above, the variant was classified as likely pathogenic.

NM_024884.3(L2HGDH):c.140+2_140+8del

Genes: DMAC2L (distal membrane arm assembly component 2 like; plus strand), L2HGDH (L-2-hydroxyglutarate dehydrogenase; minus strand). Cytogenetic location: 14q21.3.
Variant type: Deletion.
Coding change: c.140+2_140+8del on transcript NM_024884.3 (MANE Select); the canonical splice donor site of the intron after coding-DNA position 140 through 8 bases into the intron after coding-DNA position 140, 7 bases deleted (TGAGTGG; older notation c.140+2_140+8delTGAGTGG).
Molecular consequence: splice donor variant. On other transcripts: intron variant (1).
Genome position (GRCh38, 1-based): chr14:50,312,003-50,312,009, CCACTCA deleted on the plus strand (TGAGTGG on the coding strand, the reverse complement: L2HGDH is on the minus strand); deleting any 7 consecutive bases within chr14:50,312,003-50,312,011 gives the same sequence; the c. name uses the placement nearest the transcript's 3' end. VCF-style (leftmost placement, unchanged base first): chr14-50312002-GCCACTCA-G. GRCh37 (hg19) VCF-style: chr14-50778720-GCCACTCA-G.
Other names: c.140+2_140+8del (NM_001425212.1); c.-564+2_-564+8del (NM_001425217.1); c.-486+2_-486+8del (NM_001425218.1); c.-471+2_-471+8del (NM_001425216.1); c.-115+2_-115+8del (NM_001425213.1, NM_001425214.1); c.-629+2_-629+8del (NM_001425215.1); c.-6+151_-6+157del (NM_001382509.1).
Identifiers: ClinVar variation 2573619 (VCV002573619.1), dbSNP rs752314078, ClinGen allele CA260733569.